The following is an entry in ClinVar:

NM_138694.4(PKHD1):c.2947del (p.Cys983fs)

Gene: PKHD1 (PKHD1 ciliary IPT domain containing fibrocystin/polyductin; minus strand). Cytogenetic location: 6p12.2.
Variant type: Deletion.
Coding change: c.2947del on transcript NM_138694.4 (MANE Select); coding-DNA position 2947, one base deleted (T; older notation c.2947delT).
Protein change: p.Cys983fs; shifts the reading frame from cysteine 983.
Molecular consequence: frameshift variant.
Genome position (GRCh38, 1-based): chr6:52,043,009, A deleted on the plus strand (T on the coding strand, the reverse complement: PKHD1 is on the minus strand). VCF-style (leftmost placement, unchanged base first): chr6-52043008-CA-C. GRCh37 (hg19) VCF-style: chr6-51907806-CA-C.
Other names: c.2947del, p.Cys983fs (NM_170724.3); short protein forms C983fs.
Identifiers: ClinVar variation 4816623 (VCV004816623.1).

ClinVar aggregate classification (germline): Likely pathogenic (1 of 4 stars; one submission).

Conditions:
Autosomal recessive polycystic kidney disease (ARPKD). Also called: AR polycystic kidney disease. Identifiers: Orphanet 731, Orphanet 8378, MedGen C0085548, MeSH D017044, MONDO:0009889.

Submission:

Natera, Inc.
Classification: Likely pathogenic for Autosomal recessive polycystic kidney disease. Last evaluated: 2025-09-10. Review status: criteria provided, single submitter. Criteria: Natera Variant Classification Schema (03/2026). Collection method: clinical testing. Allele origin: germline.
Comment: The c.2947delT variant in PKHD1 is a frameshift variant predicted to shift the reading frame beginning at codon 983 and leads to a stop codon 14 codons downstream. This variant is expected to result in nonsense mediated decay, truncation, or a dysfunctional protein product. This variant is rare in the general population with a frequency below the threshold expected for the associated phenotype(s). Given the available evidence, this variant is classified as Likely Pathogenic.